The following is an entry in ClinVar:

ClinVar aggregate classification (germline): Uncertain significance (1 of 4 stars; one submission).

Conditions:
Zellweger spectrum disorders (ZS). Also called: Zellweger Spectrum Disorder (ZSD); Zellweger syndrome; Zellweger Spectrum Disorder; Zellweger Spectrum. Identifiers: Orphanet 912, MedGen C0043459, MONDO:0019609.

Allele frequency attached by ClinVar (database versions not stated): gnomAD exomes below 0.00001; TOPMed below 0.00001.
gnomAD v4.1: 2 of 1,609,428 alleles (0.00012%); highest among the groups gnomAD compares: Admixed American, 0.0017%; no homozygotes.

Submission:

Labcorp Genetics (formerly Invitae), Labcorp
Classification: Uncertain significance for Zellweger spectrum disorders. Last evaluated: 2022-08-05. Review status: criteria provided, single submitter. Criteria: Invitae Variant Classification Sherloc (09022015). Collection method: clinical testing. Allele origin: germline.
Comment: This sequence change replaces proline, which is neutral and non-polar, with arginine, which is basic and polar, at codon 534 of the PEX1 protein (p.Pro534Arg). This variant is present in population databases (no rsID available, gnomAD 0.003%). This variant has not been reported in the literature in individuals affected with PEX1-related conditions. ClinVar contains an entry for this variant (Variation ID: 1351537). Advanced modeling of protein sequence and biophysical properties (such as structural, functional, and spatial information, amino acid conservation, physicochemical variation, residue mobility, and thermodynamic stability) performed at Invitae indicates that this missense variant is expected to disrupt PEX1 protein function. Algorithms developed to predict the effect of sequence changes on RNA splicing suggest that this variant may create or strengthen a splice site. In summary, the available evidence is currently insufficient to determine the role of this variant in disease. Therefore, it has been classified as a Variant of Uncertain Significance.

NM_000466.3(PEX1):c.1601C>G (p.Pro534Arg)

Gene: PEX1 (peroxisomal biogenesis factor 1; minus strand). Cytogenetic location: 7q21.2.
Variant type: single nucleotide variant.
Coding change: c.1601C>G on transcript NM_000466.3 (MANE Select); coding-DNA position 1601, C replaced by G.
Protein change: p.Pro534Arg; replaces proline 534 with arginine.
Molecular consequence: missense variant.
Genome position (GRCh38, 1-based): chr7:92,509,398, G>C on the plus strand (C>G on the coding strand, the complement: PEX1 is on the minus strand). VCF-style: chr7-92509398-G-C. GRCh37 (hg19) VCF-style: chr7-92138712-G-C.
Other names: c.1601C>G, p.Pro534Arg (NM_001282677.2); c.977C>G, p.Pro326Arg (NM_001282678.2); short protein forms P534R, P326R.
Identifiers: ClinVar variation 1351537 (VCV001351537.3), dbSNP rs983690128, ClinGen allele CA161967555.